The following is an entry in ClinVar:

ClinVar aggregate classification (germline): Benign. Review status: criteria provided, multiple submitters, no conflicts (2 of 4 stars). 4 submissions from 4 submitters: Benign (3). 1 of the submissions does not count toward it. Last evaluated 2025-11-24.

Conditions:
KSR2-related disorder. Also called: KSR2-related condition.

Allele frequency attached by ClinVar (database versions not stated): gnomAD 0.00205 and 0.00317; ESP Exome Variant Server 0.00253; TOPMed 0.00257; 1000 Genomes Project 30x 0.00968; 1000 Genomes Project 0.01038.

Submissions (4):

Labcorp Genetics (formerly Invitae), Labcorp
Classification: Benign. Last evaluated: 2025-11-24. Review status: criteria provided, single submitter. Criteria: Invitae Variant Classification Sherloc (09022015). Collection method: clinical testing. Allele origin: germline.

Blueprint Genetics
Classification: Benign. Last evaluated: 2024-11-18. Review status: criteria provided, single submitter. Criteria: ACMG Guidelines, 2015. Collection method: clinical testing. Allele origin: germline.

Breakthrough Genomics
Classification: Benign. Review status: criteria provided, single submitter. Criteria: ACMG Guidelines, 2015. Collection method: not provided. Allele origin: germline. Inheritance: Unknown mechanism. Affected: yes.

PreventionGenetics, part of Exact Sciences
Classification: Benign for KSR2-related condition. Last evaluated: 2021-11-08. Review status: no assertion criteria provided. Collection method: clinical testing. Allele origin: germline. Not counted in ClinVar's aggregate classification.
Comment: This variant is classified as benign based on ACMG/AMP sequence variant interpretation guidelines (Richards et al. 2015 PMID: 25741868, with internal and published modifications).

NM_173598.6(KSR2):c.969C>G (p.Asp323Glu)

Gene: KSR2 (kinase suppressor of ras 2; minus strand). Cytogenetic location: 12q24.23.
Variant type: single nucleotide variant.
Coding change: c.969C>G on transcript NM_173598.6 (MANE Select); coding-DNA position 969, C replaced by G.
Protein change: p.Asp323Glu; replaces aspartic acid 323 with glutamic acid.
Molecular consequence: missense variant.
Genome position (GRCh38, 1-based): chr12:117,761,028, G>C on the plus strand (C>G on the coding strand, the complement: KSR2 is on the minus strand). VCF-style: chr12-117761028-G-C. GRCh37 (hg19) VCF-style: chr12-118198833-G-C.
Other names: c.882C>G (NM_173598.4); short protein forms D323E.
Identifiers: ClinVar variation 1565943 (VCV001565943.12), dbSNP rs141457085, ClinGen allele CA6816220.